The following is an entry in ClinVar:

NM_001159699.2(FHL1):c.661dup (p.Asp221fs)

Gene: FHL1 (four and a half LIM domains 1; plus strand). Cytogenetic location: Xq26.3.
Variant type: Duplication.
Coding change: c.661dup on transcript NM_001159699.2 (MANE Select); coding-DNA position 661, one base duplicated (G; older notation c.661dupG).
Protein change: p.Asp221fs; shifts the reading frame from aspartic acid 221.
Molecular consequence: frameshift variant. On other transcripts: non-coding transcript variant (1), intron variant (2).
Genome position (GRCh38, 1-based): chrX:136,208,566, G duplicated; the last of 2 consecutive G bases (chrX:136,208,565-136,208,566); duplicating either gives the same sequence. VCF-style (leftmost placement, unchanged base first): chrX-136208564-A-AG. GRCh37 (hg19) VCF-style: chrX-135290723-A-AG.
Other names: c.613dupG (NM_001449.4); c.613dup, p.Asp205fs (NM_001369326.1, NM_001369327.2, NM_001369328.1 and 8 more transcripts); c.501+605dup (NM_001159703.2); c.549+605dup (NM_001330659.2); c.700dup, p.Asp234fs (NM_001159701.2); short protein forms D205fs, D234fs, D221fs.
Identifiers: ClinVar variation 537351 (VCV000537351.14), dbSNP rs1556639379, ClinGen allele CA658799874.

ClinVar aggregate classification (germline): Pathogenic/Likely pathogenic. Review status: criteria provided, multiple submitters, no conflicts (2 of 4 stars). 2 submissions from 2 submitters: Pathogenic (1); Likely pathogenic (1). Last evaluated 2025-09-15.

Conditions:
X-linked myopathy with postural muscle atrophy. Also called: FHL1-Related Emery-Dreifuss Muscular Dystrophy, X-Linked. Identifiers: Orphanet 178461, MedGen C2678055, MONDO:0010401, OMIM 300696.

Submissions (2):

GeneDx
Classification: Likely pathogenic. Last evaluated: 2025-09-15. Review status: criteria provided, single submitter. Criteria: GeneDx Variant Classification Process June 2021. Collection method: clinical testing. Allele origin: germline. Affected: yes.
Comment: Reported previously as a likely pathogenic or pathogenic variant in a patient from a cohort of individuals with hypertrophic cardiomyopathy; detailed clinical information and segregation not provided (PMID: 34714385); Frameshift variant predicted to result in abnormal protein length as the last 76 amino acid(s) are replaced with 28 different amino acid(s), and other similar variants have been reported in HGMD; Not observed at significant frequency in large population cohorts (gnomAD); This variant is associated with the following publications: (PMID: 34714385)

Labcorp Genetics (formerly Invitae), Labcorp
Classification: Pathogenic for X-linked myopathy with postural muscle atrophy. Last evaluated: 2024-02-01. Review status: criteria provided, single submitter. Criteria: Invitae Variant Classification Sherloc (09022015). Collection method: clinical testing. Allele origin: germline.
Comment: This sequence change creates a premature translational stop signal (p.Asp205Glyfs*29) in the FHL1 gene. While this is not anticipated to result in nonsense mediated decay, it is expected to disrupt the last 76 amino acid(s) of the FHL1 protein. This variant is not present in population databases (gnomAD no frequency). This variant has not been reported in the literature in individuals affected with FHL1-related conditions. ClinVar contains an entry for this variant (Variation ID: 537351). Algorithms developed to predict the effect of sequence changes on RNA splicing suggest that this variant may disrupt the consensus splice site. This variant disrupts a region of the FHL1 protein in which other variant(s) (p.Cys209Thrfs*50) have been determined to be pathogenic (PMID: 25246303, 26857240; Invitae). This suggests that this is a clinically significant region of the protein, and that variants that disrupt it are likely to be disease-causing. For these reasons, this variant has been classified as Pathogenic.

Literature cited by the submitters: PubMed 25246303 (cited by Labcorp Genetics (formerly Invitae), Labcorp); PubMed 26857240 (cited by Labcorp Genetics (formerly Invitae), Labcorp).